The following is an entry in ClinVar:

NM_000278.5(PAX2):c.358dup (p.Ala120fs)

Gene: PAX2 (paired box 2; plus strand). Cytogenetic location: 10q24.31.
Variant type: Duplication.
Coding change: c.358dup on transcript NM_000278.5 (MANE Select); coding-DNA position 358, one base duplicated (G; older notation c.358dupG).
Protein change: p.Ala120fs; shifts the reading frame from alanine 120.
Molecular consequence: frameshift variant.
Genome position (GRCh38, 1-based): chr10:100,750,839, G duplicated; the last of 2 consecutive G bases (chr10:100,750,838-100,750,839); duplicating either gives the same sequence. VCF-style (leftmost placement, unchanged base first): chr10-100750837-T-TG. GRCh37 (hg19) VCF-style: chr10-102510594-T-TG.
Other names: c.451dup, p.Ala151fs (NM_001304569.2); c.358dup, p.Ala120fs (NM_003987.5, NM_003988.5, NM_003989.5 and 1 more transcripts); short protein forms A120fs, A151fs.
Identifiers: ClinVar variation 2431765 (VCV002431765.1), dbSNP rs2492899996, ClinGen allele CA2580081097.

ClinVar aggregate classification (germline): Likely pathogenic (1 of 4 stars; one submission).

Conditions:
Focal segmental glomerulosclerosis 7 (FSGS7). Identifiers: Orphanet 656, MedGen C4014925, MONDO:0014451, OMIM 616002.

Submission:

Laboratorio de Genetica e Diagnostico Molecular, Hospital Israelita Albert Einstein
Classification: Likely pathogenic for Focal segmental glomerulosclerosis 7. Last evaluated: 2022-03-29. Review status: criteria provided, single submitter. Criteria: ACMG Guidelines, 2015. Collection method: clinical testing. Allele origin: germline. Affected: yes. Observed: 1 variant allele.
Comment: ACMG classification criteria: PVS1 very strong, PM2 moderated